The following is an entry in ClinVar:

NM_000391.4(TPP1):c.623G>A (p.Arg208Gln)

Gene: TPP1 (tripeptidyl peptidase 1; minus strand). Cytogenetic location: 11p15.4.
Variant type: single nucleotide variant.
Coding change: c.623G>A on transcript NM_000391.4 (MANE Select); coding-DNA position 623, G replaced by A.
Protein change: p.Arg208Gln; replaces arginine 208 with glutamine.
Molecular consequence: missense variant.
Genome position (GRCh38, 1-based): chr11:6,617,039, C>T on the plus strand (G>A on the coding strand, the complement: TPP1 is on the minus strand). VCF-style: chr11-6617039-C-T. GRCh37 (hg19) VCF-style: chr11-6638270-C-T.
Other names: c.623G>A (NM_000391.3); short protein forms R208Q.
Identifiers: ClinVar variation 2196166 (VCV002196166.3), dbSNP rs778875097, ClinGen allele CA5858893.
Genomic context (GRCh38, chr11:6,617,039, plus strand): 5'-GCACAGGCTTGGCTGTTATTGCTGGTGCCAGAGCCCACGTCTTGTGAGGTCAAGTTGTAT[C>T]GCTTACGGATCACAGAGGGGGTTACCCCCAGATGCAGGCCTACAGTCCCTGTCACCTGCG-3'
Protein context (NP_000382.3, residues 198-218): LGVTPSVIRK[Arg208Gln]YNLTSQDVGS

ClinVar aggregate classification (germline): Uncertain significance. Review status: criteria provided, multiple submitters, no conflicts (2 of 4 stars). 2 submissions from 2 submitters: Uncertain significance (2). Last evaluated 2023-03-01.

Conditions:
Inborn genetic diseases. Identifiers: MedGen C0950123, MeSH D030342.

Allele frequency attached by ClinVar (database versions not stated): ExAC 0.00001; gnomAD 0.00001; gnomAD exomes 0.00001; TOPMed 0.00001.

Submissions (2):

Ambry Genetics
Classification: Uncertain significance for Inborn genetic diseases. Last evaluated: 2023-03-01. Review status: criteria provided, single submitter. Criteria: Ambry Variant Classification Scheme 2023. Collection method: clinical testing. Allele origin: germline.

Labcorp Genetics (formerly Invitae), Labcorp
Classification: Uncertain significance. Last evaluated: 2022-06-29. Review status: criteria provided, single submitter. Criteria: Invitae Variant Classification Sherloc (09022015). Collection method: clinical testing. Allele origin: germline.
Comment: This sequence change replaces arginine, which is basic and polar, with glutamine, which is neutral and polar, at codon 208 of the TPP1 protein (p.Arg208Gln). This variant is present in population databases (rs778875097, gnomAD 0.01%). This variant has not been reported in the literature in individuals affected with TPP1-related conditions. Advanced modeling of protein sequence and biophysical properties (such as structural, functional, and spatial information, amino acid conservation, physicochemical variation, residue mobility, and thermodynamic stability) performed at Invitae indicates that this missense variant is expected to disrupt TPP1 protein function. In summary, the available evidence is currently insufficient to determine the role of this variant in disease. Therefore, it has been classified as a Variant of Uncertain Significance.